The following is an entry in ClinVar:

ClinVar aggregate classification (germline): Uncertain significance. Review status: criteria provided, multiple submitters, no conflicts (2 of 4 stars). 2 submissions from 2 submitters: Uncertain significance (2). Last evaluated 2026-04-02.

Conditions:
PCSK1-related disorder. Also called: PCSK1-related condition.

gnomAD v4.1: 110 of 1,614,146 alleles (0.0068%); highest among the groups gnomAD compares: East Asian, 0.069%; no homozygotes.

Submissions (2):

PreventionGenetics, part of Exact Sciences
Classification: Uncertain significance for PCSK1-related condition. Last evaluated: 2026-04-02. Review status: criteria provided, single submitter. Criteria: ACMG Guidelines, 2015. Collection method: clinical testing. Allele origin: germline.
Comment: The PCSK1 c.2104G>A variant is predicted to result in the amino acid substitution p.Glu702Lys. This variant has been observed in individuals with obesity (Yu et al. 2023. PubMed ID: 37327085; Supplemental Data Set 3, Shah et al. 2023. PubMed ID: 36864747). In vitro functional studies showed this variant did not reduce protein function and could cause increased function (Supplemental Data Set 3, Shah et al. 2023. PubMed ID: 36864747). This variant is reported in 0.075% of alleles in individuals of East Asian descent in gnomAD, which may be too common to be a primary cause of disease. Although we suspect that this variant may be benign, at this time, the clinical significance of this variant is uncertain due to the absence of conclusive functional and genetic evidence.

Blueprint Genetics
Classification: Uncertain significance. Last evaluated: 2022-12-12. Review status: criteria provided, single submitter. Criteria: ACMG Guidelines, 2015. Collection method: clinical testing. Allele origin: germline.

NM_000439.5(PCSK1):c.2104G>A (p.Glu702Lys)

Genes: CAST (calpastatin; plus strand), PCSK1 (proprotein convertase subtilisin/kexin type 1; minus strand), LOC101929710 (uncharacterized LOC101929710; plus strand). Cytogenetic location: 5q15.
Variant type: single nucleotide variant.
Coding change: c.2104G>A on transcript NM_000439.5 (MANE Select); coding-DNA position 2104, G replaced by A.
Protein change: p.Glu702Lys; replaces glutamic acid 702 with lysine.
Molecular consequence: missense variant. On other transcripts: intron variant (11).
Genome position (GRCh38, 1-based): chr5:96,393,159, C>T on the plus strand (G>A on the coding strand, the complement: PCSK1 is on the minus strand). VCF-style: chr5-96393159-C-T. GRCh37 (hg19) VCF-style: chr5-95728863-C-T.
Other names: c.1963G>A, p.Glu655Lys (NM_001177875.2); c.-175+13507C>T (NM_001423254.1, NM_001423259.1, NM_001423255.1 and 6 more transcripts); c.-103+13507C>T (NM_001423253.1); c.-40+13507C>T (NM_001423258.1); short protein forms E655K, E702K.
Identifiers: ClinVar variation 3350261 (VCV003350261.3).